The following is an entry in ClinVar:

NM_000233.4(LHCGR):c.1097T>C (p.Ile366Thr)

Genes: LHCGR (luteinizing hormone/choriogonadotropin receptor; minus strand), STON1-GTF2A1L (STON1-GTF2A1L readthrough; plus strand). Cytogenetic location: 2p16.3.
Variant type: single nucleotide variant.
Coding change: c.1097T>C on transcript NM_000233.4 (MANE Select); coding-DNA position 1097, T replaced by C.
Protein change: p.Ile366Thr; replaces isoleucine 366 with threonine.
Molecular consequence: missense variant. On other transcripts: intron variant (1).
Genome position (GRCh38, 1-based): chr2:48,688,700, A>G on the plus strand (T>C on the coding strand, the complement: LHCGR is on the minus strand). VCF-style: chr2-48688700-A-G. GRCh37 (hg19) VCF-style: chr2-48915839-A-G.
Other names: c.3441+17020A>G (NM_001198593.2); short protein forms I366T.
Identifiers: ClinVar variation 1386389 (VCV001386389.6), dbSNP rs994667830, ClinGen allele CA46753290.

ClinVar aggregate classification (germline): Uncertain significance (1 of 4 stars; one submission).

Allele frequency attached by ClinVar (database versions not stated): gnomAD exomes 0.00001 and 0.00003; gnomAD 0.00003; TOPMed 0.00003.
gnomAD v4.1: 45 of 1,614,074 alleles (0.0028%); highest among the groups gnomAD compares: Non-Finnish European, 0.0036%; no homozygotes.

Submission:

Labcorp Genetics (formerly Invitae), Labcorp
Classification: Uncertain significance. Last evaluated: 2022-02-23. Review status: criteria provided, single submitter. Criteria: Invitae Variant Classification Sherloc (09022015). Collection method: clinical testing. Allele origin: germline.
Comment: In summary, the available evidence is currently insufficient to determine the role of this variant in disease. Therefore, it has been classified as a Variant of Uncertain Significance. Advanced modeling of protein sequence and biophysical properties (such as structural, functional, and spatial information, amino acid conservation, physicochemical variation, residue mobility, and thermodynamic stability) performed at Invitae indicates that this missense variant is not expected to disrupt LHCGR protein function. This variant has not been reported in the literature in individuals affected with LHCGR-related conditions. This variant is present in population databases (no rsID available, gnomAD 0.002%). This sequence change replaces isoleucine, which is neutral and non-polar, with threonine, which is neutral and polar, at codon 366 of the LHCGR protein (p.Ile366Thr).